The following is an entry in ClinVar:

ClinVar aggregate classification (germline): Benign (0 of 4 stars; one submission).

Conditions:
Bardet-Biedl syndrome (BBS). Identifiers: Orphanet 110, MedGen C0752166, MONDO:0015229.

gnomAD v4.1: 4 of 1,558,190 alleles (0.00026%); highest among the groups gnomAD compares: Non-Finnish European, 0.00035%; no homozygotes.

Submission:

GeneReviews
Classification: Benign for Bardet-Biedl Syndrome. Last evaluated: 2009-10-13. Review status: no assertion criteria provided. Collection method: curation. Allele origin: unknown.
ClinVar note: Converted during submission from benign to Benign.

NM_033028.5(BBS4):c.-17C>A

Gene: BBS4 (Bardet-Biedl syndrome 4; plus strand). Cytogenetic location: 15q24.1.
Variant type: single nucleotide variant.
Coding change: c.-17C>A on transcript NM_033028.5 (MANE Select); 17 bases upstream of the start codon, C replaced by A.
Molecular consequence: 5 prime UTR variant. On other transcripts: non-coding transcript variant (2).
Genome position (GRCh38, 1-based): chr15:72,686,211, C>A. VCF-style: chr15-72686211-C-A. GRCh37 (hg19) VCF-style: chr15-72978552-C-A.
Other names: c.-17C/A; c.-486C>A (NM_001252678.2); c.-17C>A (NM_001320665.2).
Identifiers: ClinVar variation 21731 (VCV000021731.3), dbSNP rs56368716, ClinGen allele CA342424.